The following is an entry in ClinVar:

ClinVar aggregate classification (germline): Uncertain significance. Review status: criteria provided, single submitter (1 of 4 stars). 2 submissions from 2 submitters: Uncertain significance (1). 1 of the submissions does not count toward it. Last evaluated 2023-06-27.

Conditions:
SEMA3E-related disorder. Also called: SEMA3E-related condition.
CHARGE syndrome (CHARGE). Also called: Hittner Hirsch Kreh syndrome; CHARGE ASSOCIATION--COLOBOMA, HEART ANOMALY, CHOANAL ATRESIA, RETARDATION, GENITAL AND EAR ANOMALIES; Coloboma, heart anomaly, choanal atresia, retardation, genital and ear anomalies; CHARGE association; Hall-Hittner syndrome. Identifiers: Orphanet 138, MedGen C0265354, MONDO:0008965.

Allele frequency attached by ClinVar (database versions not stated): gnomAD 0.00001.
gnomAD v4.1: 12 of 1,613,332 alleles (0.00074%); highest among the groups gnomAD compares: Non-Finnish European, 0.001%; no homozygotes.

Submissions (2):

Labcorp Genetics (formerly Invitae), Labcorp
Classification: Uncertain significance for CHARGE syndrome. Last evaluated: 2023-06-27. Review status: criteria provided, single submitter. Criteria: Invitae Variant Classification Sherloc (09022015). Collection method: clinical testing. Allele origin: germline.
Comment: This sequence change replaces lysine, which is basic and polar, with arginine, which is basic and polar, at codon 617 of the SEMA3E protein (p.Lys617Arg). This variant is not present in population databases (gnomAD no frequency). This variant has not been reported in the literature in individuals affected with SEMA3E-related conditions. Advanced modeling of protein sequence and biophysical properties (such as structural, functional, and spatial information, amino acid conservation, physicochemical variation, residue mobility, and thermodynamic stability) performed at Invitae indicates that this missense variant is not expected to disrupt SEMA3E protein function. In summary, the available evidence is currently insufficient to determine the role of this variant in disease. Therefore, it has been classified as a Variant of Uncertain Significance.

PreventionGenetics, part of Exact Sciences
Classification: Uncertain significance for SEMA3E-related condition. Last evaluated: 2024-04-18. Review status: no assertion criteria provided. Collection method: clinical testing. Allele origin: germline. Not counted in ClinVar's aggregate classification.
Comment: The SEMA3E c.1850A>G variant is predicted to result in the amino acid substitution p.Lys617Arg. To our knowledge, this variant has not been reported in the literature or in a large population database, indicating this variant is rare. At this time, the clinical significance of this variant is uncertain due to the absence of conclusive functional and genetic evidence.

NM_012431.3(SEMA3E):c.1850A>G (p.Lys617Arg)

Gene: SEMA3E (semaphorin 3E; minus strand). Cytogenetic location: 7q21.11.
Variant type: single nucleotide variant.
Coding change: c.1850A>G on transcript NM_012431.3 (MANE Select); coding-DNA position 1850, A replaced by G.
Protein change: p.Lys617Arg; replaces lysine 617 with arginine.
Molecular consequence: missense variant.
Genome position (GRCh38, 1-based): chr7:83,385,319, T>C on the plus strand (A>G on the coding strand, the complement: SEMA3E is on the minus strand). VCF-style: chr7-83385319-T-C. GRCh37 (hg19) VCF-style: chr7-83014635-T-C.
Other names: c.1850A>G (NM_012431.2); c.1670A>G, p.Lys557Arg (NM_001178129.2); short protein forms K617R, K557R.
Identifiers: ClinVar variation 2848211 (VCV002848211.4), dbSNP rs1787855789, ClinGen allele CA367921716.